The following is an entry in ClinVar:

ClinVar aggregate classification (germline): Benign. Review status: criteria provided, multiple submitters, no conflicts (2 of 4 stars). 5 submissions from 5 submitters: Benign (4). 1 of the submissions does not count toward it. Last evaluated 2026-02-03.

Conditions:
Baller-Gerold syndrome (BGS). Also called: CRANIOSYNOSTOSIS WITH RADIAL DEFECTS. Identifiers: Orphanet 1225, MedGen C0265308, MONDO:0009039, OMIM 218600.

Allele frequency attached by ClinVar (database versions not stated): ESP Exome Variant Server 0.00057; gnomAD exomes 0.00192 and 0.00966; gnomAD 0.00307 and 0.00317; 1000 Genomes Project 0.00519; 1000 Genomes Project 30x 0.00562; TOPMed 0.00675; ExAC 0.00783.
gnomAD v4.1: 3,244 of 1,600,722 alleles (0.2%); highest among the groups gnomAD compares: Admixed American, 5.1%; 117 homozygotes.

Submissions (5):

Labcorp Genetics (formerly Invitae), Labcorp
Classification: Benign for Baller-Gerold syndrome. Last evaluated: 2026-02-03. Review status: criteria provided, single submitter. Criteria: Invitae Variant Classification Sherloc (09022015). Collection method: clinical testing. Allele origin: germline.

Mayo Clinic Laboratories, Mayo Clinic
Classification: Benign. Last evaluated: 2021-05-06. Review status: criteria provided, single submitter. Criteria: ACMG Guidelines, 2015. Collection method: clinical testing. Allele origin: germline. Observed: 2 variant alleles.

Eurofins Ntd Llc (ga)
Classification: Benign. Last evaluated: 2017-01-25. Review status: criteria provided, single submitter. Criteria: EGL Classification Definitions 2015. Collection method: clinical testing. Allele origin: germline. Observed: 6 variant alleles, 6 heterozygotes.

Breakthrough Genomics
Classification: Benign. Review status: criteria provided, single submitter. Criteria: ACMG Guidelines, 2015. Collection method: not provided. Allele origin: germline. Inheritance: Autosomal recessive inheritance. Affected: yes.

ITMI
No classification provided. Condition: AllHighlyPenetrant. Last evaluated: 2013-09-19. Review status: no classification provided. Collection method: reference population. Allele origin: germline. Not counted in ClinVar's aggregate classification.
Comment: Please see associated publication for description of ethnicities

Literature cited by the submitters: PubMed 24728327 (cited by ITMI).

NM_004260.4(RECQL4):c.2377C>T (p.Pro793Ser)

Gene: RECQL4 (RecQ like helicase 4; minus strand). Cytogenetic location: 8q24.3.
Variant type: single nucleotide variant.
Coding change: c.2377C>T on transcript NM_004260.4 (MANE Select); coding-DNA position 2377, C replaced by T.
Protein change: p.Pro793Ser; replaces proline 793 with serine.
Molecular consequence: missense variant.
Genome position (GRCh38, 1-based): chr8:144,513,304, G>A on the plus strand (C>T on the coding strand, the complement: RECQL4 is on the minus strand). VCF-style: chr8-144513304-G-A. GRCh37 (hg19) VCF-style: chr8-145738687-G-A.
Other names: p.Pro793Ser; short protein forms P793S.
Identifiers: ClinVar variation 135136 (VCV000135136.16), dbSNP rs35098923, ClinGen allele CA161829.